The following is an entry in ClinVar:

NM_000321.3(RB1):c.1225G>A (p.Val409Met)

Gene: RB1 (RB transcriptional corepressor 1; plus strand). Cytogenetic location: 13q14.2.
Variant type: single nucleotide variant.
Coding change: c.1225G>A on transcript NM_000321.3 (MANE Select); coding-DNA position 1225, G replaced by A.
Protein change: p.Val409Met; replaces valine 409 with methionine.
Molecular consequence: missense variant.
Genome position (GRCh38, 1-based): chr13:48,376,927, G>A. VCF-style: chr13-48376927-G-A. GRCh37 (hg19) VCF-style: chr13-48951063-G-A.
Other names: short protein forms V409M.
Identifiers: ClinVar variation 937403 (VCV000937403.12), dbSNP rs1952830946, ClinGen allele CA388161949.

ClinVar aggregate classification (germline): Uncertain significance. Review status: criteria provided, multiple submitters, no conflicts (2 of 4 stars). 2 submissions from 2 submitters: Uncertain significance (2). Last evaluated 2021-07-03.

Conditions:
Hereditary cancer-predisposing syndrome. Also called: Tumor predisposition; Hereditary neoplastic syndrome; Hereditary Cancer Syndrome; Neoplastic Syndromes, Hereditary. Identifiers: Orphanet 140162, MedGen C0027672, MeSH D009386, MONDO:0015356.
Retinoblastoma (RB1). Also called: RETINOBLASTOMA, SOMATIC. Identifiers: Orphanet 790, MedGen C0035335, MeSH D012175, MONDO:0008380, OMIM 180200, HP:0009919. Disease mechanism: loss of function. Inheritance: Both sporadic and heritable forms are tested..

Submissions (2):

Ambry Genetics
Classification: Uncertain significance for Hereditary cancer-predisposing syndrome. Last evaluated: 2021-07-03. Review status: criteria provided, single submitter. Criteria: Ambry Variant Classification Scheme 2023. Collection method: clinical testing. Allele origin: germline.
Comment: The p.V409M variant (also known as c.1225G>A), located in coding exon 13 of the RB1 gene, results from a G to A substitution at nucleotide position 1225. The valine at codon 409 is replaced by methionine, an amino acid with highly similar properties. This amino acid position is highly conserved in available vertebrate species. In addition, the in silico prediction for this alteration is inconclusive. Since supporting evidence is limited at this time, the clinical significance of this alteration remains unclear.

Labcorp Genetics (formerly Invitae), Labcorp
Classification: Uncertain significance for Retinoblastoma. Last evaluated: 2019-09-26. Review status: criteria provided, single submitter. Criteria: Invitae Variant Classification Sherloc (09022015). Collection method: clinical testing. Allele origin: germline.
Comment: In summary, the available evidence is currently insufficient to determine the role of this variant in disease. Therefore, it has been classified as a Variant of Uncertain Significance. Algorithms developed to predict the effect of missense changes on protein structure and function are either unavailable or do not agree on the potential impact of this missense change (SIFT: "Deleterious"; PolyPhen-2: "Probably Damaging"; Align-GVGD: "Class C15"). This variant has not been reported in the literature in individuals with RB1-related conditions. This variant is not present in population databases (ExAC no frequency). This sequence change replaces valine with methionine at codon 409 of the RB1 protein (p.Val409Met). The valine residue is highly conserved and there is a small physicochemical difference between valine and methionine.